The following is an entry in ClinVar:

NM_005120.3(MED12):c.5428G>A (p.Gly1810Ser)

Gene: MED12 (mediator complex subunit 12; plus strand). Cytogenetic location: Xq13.1.
Variant type: single nucleotide variant.
Coding change: c.5428G>A on transcript NM_005120.3 (MANE Select); coding-DNA position 5428, G replaced by A.
Protein change: p.Gly1810Ser; replaces glycine 1810 with serine.
Molecular consequence: missense variant.
Genome position (GRCh38, 1-based): chrX:71,136,906, G>A. VCF-style: chrX-71136906-G-A. GRCh37 (hg19) VCF-style: chrX-70356756-G-A.
Other names: short protein forms G1810S.
Identifiers: ClinVar variation 2450602 (VCV002450602.2), dbSNP rs1375861902, ClinGen allele CA413535512.

ClinVar aggregate classification (germline): Uncertain significance (1 of 4 stars; one submission).

Conditions:
Familial thoracic aortic aneurysm and aortic dissection (TAAD). Also called: Thoracic aortic aneurysms and dissections. Identifiers: Orphanet 91387, MedGen C4707243, MONDO:0019625.

Allele frequency attached by ClinVar (database versions not stated): gnomAD exomes below 0.00001; TOPMed 0.00001.
gnomAD v4.1: 4 of 1,210,734 alleles (0.00033%); highest among the groups gnomAD compares: East Asian, 0.003%; no homozygotes.

Submission:

Ambry Genetics
Classification: Uncertain significance for Familial thoracic aortic aneurysm and aortic dissection. Last evaluated: 2022-12-29. Review status: criteria provided, single submitter. Criteria: Ambry Variant Classification Scheme 2023. Collection method: clinical testing. Allele origin: germline.
Comment: The p.G1810S variant (also known as c.5428G>A), located in coding exon 38 of the MED12 gene, results from a G to A substitution at nucleotide position 5428. The glycine at codon 1810 is replaced by serine, an amino acid with similar properties. This amino acid position is conserved. In addition, this alteration is predicted to be tolerated by in silico analysis. Since supporting evidence is limited at this time, the clinical significance of this alteration remains unclear.